The following is an entry in ClinVar:

NM_013275.6(ANKRD11):c.2068G>A (p.Asp690Asn)

Gene: ANKRD11 (ankyrin repeat domain 11; minus strand). Cytogenetic location: 16q24.3.
Variant type: single nucleotide variant.
Coding change: c.2068G>A on transcript NM_013275.6 (MANE Select); coding-DNA position 2068, G replaced by A.
Protein change: p.Asp690Asn; replaces aspartic acid 690 with asparagine.
Molecular consequence: missense variant.
Genome position (GRCh38, 1-based): chr16:89,284,474, C>T on the plus strand (G>A on the coding strand, the complement: ANKRD11 is on the minus strand). VCF-style: chr16-89284474-C-T. GRCh37 (hg19) VCF-style: chr16-89350882-C-T.
Other names: c.2068G>A, p.Asp690Asn (NM_001256182.2, NM_001256183.2); short protein forms D690N.
Identifiers: ClinVar variation 4768546 (VCV004768546.1).
Genomic context (GRCh38, chr16:89,284,474, plus strand): 5'-ATTCTTTTTCTTCTAATTTCATTTTGCTAAGTTTCTCTTCTTTTTTAAAGTGGTCGCGAT[C>T]GTGCTTTAACACTTTTAGCTTGTTTTCAGTGGAAAGATCATTCTCTAACAGTATAGCCTT-3'
Protein context (NP_037407.4, residues 680-700): TENKLKVLKH[Asp690Asn]RDHFKKEEKL

ClinVar aggregate classification (germline): Uncertain significance (1 of 4 stars; one submission).

Conditions:
KBG syndrome (KBGS). Also called: ANKRD11-Related KBG Syndrome. Identifiers: Orphanet 2332, MedGen C0220687, MONDO:0007846, OMIM 148050.

gnomAD v4.1: 5 of 1,614,030 alleles (0.00031%); highest among the groups gnomAD compares: African/African-American, 0.0013%; no homozygotes.

Submission:

Labcorp Genetics (formerly Invitae), Labcorp
Classification: Uncertain significance for KBG syndrome. Last evaluated: 2025-09-07. Review status: criteria provided, single submitter. Criteria: Invitae Variant Classification Sherloc (09022015). Collection method: clinical testing. Allele origin: germline.
Comment: This sequence change replaces aspartic acid, which is acidic and polar, with asparagine, which is neutral and polar, at codon 690 of the ANKRD11 protein (p.Asp690Asn). This variant is present in population databases (rs751750670, gnomAD no frequency). This variant has not been reported in the literature in individuals affected with ANKRD11-related conditions. Invitae Evidence Modeling of protein sequence and biophysical properties (such as structural, functional, and spatial information, amino acid conservation, physicochemical variation, residue mobility, and thermodynamic stability) indicates that this missense variant is not expected to disrupt ANKRD11 protein function with a negative predictive value of 95%. In summary, the available evidence is currently insufficient to determine the role of this variant in disease. Therefore, it has been classified as a Variant of Uncertain Significance.